The following is an entry in ClinVar:

ClinVar aggregate classification (germline): Uncertain significance. Review status: criteria provided, multiple submitters, no conflicts (2 of 4 stars). 2 submissions from 2 submitters: Uncertain significance (2). Last evaluated 2024-02-24.

Conditions:
Inborn genetic diseases. Identifiers: MedGen C0950123, MeSH D030342.
Charcot-Marie-Tooth disease recessive intermediate C. Also called: CHARCOT-MARIE-TOOTH NEUROPATHY, RECESSIVE INTERMEDIATE C. Identifiers: Orphanet 369867, MedGen C3809309, MONDO:0014154, OMIM 615376.
Neuronopathy, distal hereditary motor, autosomal recessive 4. Also called: Autosomal recessive lower motor neuron disease with childhood onset; NEUROPATHY, DISTAL HEREDITARY MOTOR, AUTOSOMAL RECESSIVE 4. Identifiers: Orphanet 206580, MedGen C1970211, MONDO:0012608, OMIM 611067.

Allele frequency attached by ClinVar (database versions not stated): gnomAD 0.00001; gnomAD exomes 0.00001; TOPMed 0.00001.
gnomAD v4.1: 12 of 1,611,380 alleles (0.00074%); highest among the groups gnomAD compares: African/African-American, 0.0013%; no homozygotes.

Submissions (2):

Labcorp Genetics (formerly Invitae), Labcorp
Classification: Uncertain significance for Neuronopathy, distal hereditary motor, autosomal recessive 4; Charcot-Marie-Tooth disease recessive intermediate C. Last evaluated: 2024-02-24. Review status: criteria provided, single submitter. Criteria: Invitae Variant Classification Sherloc (09022015). Collection method: clinical testing. Allele origin: germline.
Comment: This sequence change replaces isoleucine, which is neutral and non-polar, with phenylalanine, which is neutral and non-polar, at codon 91 of the PLEKHG5 protein (p.Ile91Phe). This variant is not present in population databases (gnomAD no frequency). This variant has not been reported in the literature in individuals affected with PLEKHG5-related conditions. ClinVar contains an entry for this variant (Variation ID: 958055). An algorithm developed to predict the effect of missense changes on protein structure and function (PolyPhen-2) suggests that this variant¬¨‚Ä†is likely to be tolerated. In summary, the available evidence is currently insufficient to determine the role of this variant in disease. Therefore, it has been classified as a Variant of Uncertain Significance.

Ambry Genetics
Classification: Uncertain significance for Inborn genetic diseases. Last evaluated: 2022-01-04. Review status: criteria provided, single submitter. Criteria: Ambry Variant Classification Scheme 2023. Collection method: clinical testing. Allele origin: germline.

NM_020631.6(PLEKHG5):c.271A>T (p.Ile91Phe)

Gene: PLEKHG5 (pleckstrin homology and RhoGEF domain containing G5; minus strand). Cytogenetic location: 1p36.31.
Variant type: single nucleotide variant.
Coding change: c.271A>T on transcript NM_020631.6 (MANE Select); coding-DNA position 271, A replaced by T.
Protein change: p.Ile91Phe; replaces isoleucine 91 with phenylalanine.
Molecular consequence: missense variant.
Genome position (GRCh38, 1-based): chr1:6,475,078, T>A on the plus strand (A>T on the coding strand, the complement: PLEKHG5 is on the minus strand). VCF-style: chr1-6475078-T-A. GRCh37 (hg19) VCF-style: chr1-6535138-T-A.
Other names: c.382A>T, p.Ile128Phe (NM_001042663.3, NM_001265592.2); c.271A>T, p.Ile91Phe (NM_001042664.2, NM_001042665.2, NM_001265594.3 and 1 more transcripts); c.478A>T, p.Ile160Phe (NM_001265593.2); short protein forms I128F, I160F, I91F.
Identifiers: ClinVar variation 958055 (VCV000958055.10), dbSNP rs993754184, ClinGen allele CA17244391.